The following is an entry in ClinVar:

NM_001130987.2(DYSF):c.2548C>T (p.Gln850Ter)

Gene: DYSF (dysferlin; plus strand). Cytogenetic location: 2p13.2.
Variant type: single nucleotide variant.
Coding change: c.2548C>T on transcript NM_001130987.2 (MANE Select); coding-DNA position 2548, C replaced by T.
Protein change: p.Gln850Ter; replaces glutamine 850 with a stop codon.
Molecular consequence: nonsense.
Genome position (GRCh38, 1-based): chr2:71,564,196, C>T. VCF-style: chr2-71564196-C-T. GRCh37 (hg19) VCF-style: chr2-71791326-C-T.
Other names: c.2494C>T, p.Gln832Ter (NM_003494.4, NM_001130978.2); c.2455C>T, p.Gln819Ter (NM_001130986.2, NM_001130984.2); c.2548C>T, p.Gln850Ter (NM_001130985.2); c.2497C>T, p.Gln833Ter (NM_001130983.2, NM_001130455.2); c.2590C>T, p.Gln864Ter (NM_001130982.2); c.2545C>T, p.Gln849Ter (NM_001130981.2, NM_001130980.2); c.2587C>T, p.Gln863Ter (NM_001130979.2); c.2452C>T, p.Gln818Ter (NM_001130977.2, NM_001130976.2); short protein forms Q850*, Q832*, Q833*, Q818*, Q819*, Q849*, Q863*, Q864*.
Identifiers: ClinVar variation 551845 (VCV000551845.8), dbSNP rs199543257, ClinGen allele CA1706198.

ClinVar aggregate classification (germline): Pathogenic. Review status: criteria provided, multiple submitters, no conflicts (2 of 4 stars). 5 submissions from 4 submitters: Pathogenic (4). 1 of the submissions does not count toward it. Last evaluated 2025-08-05.

Conditions:
DYSF-related disorder. Also called: DYSF-related disorders; DYSF-related condition.
Neuromuscular disease caused by qualitative or quantitative defects of dysferlin. Also called: Qualitative or quantitative defects of dysferlin; Dysferlinopathy. Identifiers: Orphanet 207073, MedGen C2931687, MONDO:0016145.
Autosomal recessive limb-girdle muscular dystrophy type 2B (LGMDR2). Also called: Limb-girdle muscular dystrophy, type 2B; Limb-Girdle Muscular Dystrophy Type 2B (LGMD2B); MUSCULAR DYSTROPHY, LIMB-GIRDLE, TYPE 3; MUSCULAR DYSTROPHY, LIMB-GIRDLE, AUTOSOMAL RECESSIVE 2. Identifiers: Orphanet 268, MedGen C1850889, MONDO:0009676, OMIM 253601.
Miyoshi muscular dystrophy 1 (MMD1). Identifiers: Orphanet 45448, MedGen C4551973, MONDO:0024545, OMIM 254130.

Allele frequency attached by ClinVar (database versions not stated): gnomAD exomes 0.00002 and 0.00001; 1000 Genomes Project 30x 0.00016; gnomAD 0.00001; ExAC 0.00002; 1000 Genomes Project 0.00020.
gnomAD v4.1: 4 of 1,614,266 alleles (0.00025%); highest among the groups gnomAD compares: East Asian, 0.0089%; no homozygotes.

Submissions (5):

3billion
Classification: Pathogenic for DYSF-related disorder. Last evaluated: 2025-08-05. Review status: criteria provided, single submitter. Criteria: ACMG Guidelines, 2015. Collection method: clinical testing. Allele origin: germline. Affected: yes.
Comment: The variant is observed at an extremely low frequency in the gnomAD v4.1.0 dataset (total allele frequency: <0.001%). Predicted Consequence/Location: Stop-gained (nonsense): predicted to result in a loss or disruption of normal protein function through nonsense-mediated decay (NMD) or protein truncation. Multiple pathogenic variants are reported downstream of the variant. The variant has been observed in multiple (>3) similarly affected unrelated individuals (PMID: 22297152). The variant has been reported at least twice as pathogenic without evidence for the classification (ClinVar ID: VCV000551845 /PMID: 16891820 /3billion dataset). Therefore, this variant is classified as Pathogenic (PVS1_VS, PS4_S, PM2_M, PP5_M) according to the recommendation of ACMG/AMP guideline.

3billion
Classification: Pathogenic for Miyoshi muscular dystrophy 1. Last evaluated: 2025-07-22. Review status: criteria provided, single submitter. Criteria: ACMG Guidelines, 2015. Collection method: clinical testing. Allele origin: germline. Affected: yes.
Comment: The variant is observed at an extremely low frequency in the gnomAD v4.1.0 dataset (total allele frequency: <0.001%). Predicted Consequence/Location: Stop-gained (nonsense): predicted to result in a loss or disruption of normal protein function through nonsense-mediated decay (NMD) or protein truncation. Multiple pathogenic variants are reported downstream of the variant. The variant has been observed in multiple (>3) similarly affected unrelated individuals (PMID: 22297152). The variant has been reported at least twice as pathogenic without evidence for the classification (ClinVar ID: VCV000551845 /PMID: 16891820 /3billion dataset). Therefore, this variant is classified as Pathogenic according to the recommendation of ACMG/AMP guideline.

Baylor Genetics
Classification: Pathogenic for Miyoshi muscular dystrophy 1. Last evaluated: 2024-01-30. Review status: criteria provided, single submitter. Criteria: ACMG Guidelines, 2015. Collection method: clinical testing. Allele origin: unknown.

Labcorp Genetics (formerly Invitae), Labcorp
Classification: Pathogenic for Neuromuscular disease caused by qualitative or quantitative defects of dysferlin. Last evaluated: 2023-07-19. Review status: criteria provided, single submitter. Criteria: Invitae Variant Classification Sherloc (09022015). Collection method: clinical testing. Allele origin: germline.
Comment: This sequence change creates a premature translational stop signal (p.Gln832*) in the DYSF gene. It is expected to result in an absent or disrupted protein product. Loss-of-function variants in DYSF are known to be pathogenic (PMID: 17698709, 20301480). This variant is present in population databases (rs199543257, gnomAD 0.03%). This premature translational stop signal has been observed in individual(s) with DYSF-related conditions (PMID: 16891820). ClinVar contains an entry for this variant (Variation ID: 551845). For these reasons, this variant has been classified as Pathogenic.

Counsyl
Classification: Pathogenic for Autosomal recessive limb-girdle muscular dystrophy type 2B. Last evaluated: 2017-05-09. Review status: no assertion criteria provided. Collection method: clinical testing. Allele origin: unknown. Not counted in ClinVar's aggregate classification.

Literature cited by the submitters: PubMed 16891820 (cited by 3billion and Labcorp Genetics (formerly Invitae), Labcorp); PubMed 22297152 (cited by 3billion and Counsyl); PubMed 17698709 (cited by Labcorp Genetics (formerly Invitae), Labcorp); PubMed 20301480 (cited by Labcorp Genetics (formerly Invitae), Labcorp).